The following is an entry in ClinVar:

NM_000744.7(CHRNA4):c.384-166G>A

Gene: CHRNA4 (cholinergic receptor nicotinic alpha 4 subunit; minus strand). Cytogenetic location: 20q13.33.
Variant type: single nucleotide variant.
Coding change: c.384-166G>A on transcript NM_000744.7 (MANE Select); 166 bases into the intron before coding-DNA position 384, G replaced by A.
Molecular consequence: intron variant.
Genome position (GRCh38, 1-based): chr20:63,351,193, C>T on the plus strand (G>A on the coding strand, the complement: CHRNA4 is on the minus strand). VCF-style: chr20-63351193-C-T. GRCh37 (hg19) VCF-style: chr20-61982545-C-T.
Other names: c.-145-166G>A (NM_001256573.2).
Identifiers: ClinVar variation 679138 (VCV000679138.1), dbSNP rs77645330, ClinGen allele CA317436843.

ClinVar aggregate classification (germline): Benign (1 of 4 stars; one submission).

Allele frequency attached by ClinVar (database versions not stated): gnomAD 0.44095 and 0.44659.

Submission:

GeneDx
Classification: Benign. Last evaluated: 2018-06-14. Review status: criteria provided, single submitter. Criteria: GeneDx Variant Classification (06012015). Collection method: clinical testing. Allele origin: germline. Affected: yes.
Comment: This variant is considered likely benign or benign based on one or more of the following criteria: it is a conservative change, it occurs at a poorly conserved position in the protein, it is predicted to be benign by multiple in silico algorithms, and/or has population frequency not consistent with disease.